The following is an entry in ClinVar:

NM_001206927.2(DNAH8):c.11972C>T (p.Thr3991Ile)

Genes: DNAH8 (dynein axonemal heavy chain 8; plus strand), DNAH8-AS1 (DNAH8 antisense RNA 1; minus strand). Cytogenetic location: 6p21.2.
Variant type: single nucleotide variant.
Coding change: c.11972C>T on transcript NM_001206927.2 (MANE Select); coding-DNA position 11972, C replaced by T.
Protein change: p.Thr3991Ile; replaces threonine 3991 with isoleucine.
Molecular consequence: missense variant.
Genome position (GRCh38, 1-based): chr6:38,938,953, C>T. VCF-style: chr6-38938953-C-T. GRCh37 (hg19) VCF-style: chr6-38906729-C-T.
Other names: p.Thr3991Ile; c.11321C>T, p.Thr3774Ile (NM_001371.4); c.11972C>T (NM_001206927.1); short protein forms T3774I, T3991I.
Identifiers: ClinVar variation 1514291 (VCV001514291.8), dbSNP rs145485818, ClinGen allele CA3791226.

ClinVar aggregate classification (germline): Uncertain significance. Review status: criteria provided, multiple submitters, no conflicts (2 of 4 stars). 3 submissions from 3 submitters: Uncertain significance (3). Last evaluated 2025-08-11.

Conditions:
Primary ciliary dyskinesia. Also called: Ciliary dyskinesia. Identifiers: Orphanet 244, MedGen C0008780, MONDO:0016575, HP:0012265.

Allele frequency attached by ClinVar (database versions not stated): ExAC 0.00014; gnomAD exomes 0.00014 and 0.00015; gnomAD 0.00016 and 0.00017; TOPMed 0.00019; ESP Exome Variant Server 0.00023.
gnomAD v4.1: 241 of 1,613,504 alleles (0.015%); highest among the groups gnomAD compares: Non-Finnish European, 0.019%; no homozygotes.

Submissions (3):

Ambry Genetics
Classification: Uncertain significance. Last evaluated: 2025-08-11. Review status: criteria provided, single submitter. Criteria: Ambry Variant Classification Scheme 2023. Collection method: clinical testing. Allele origin: germline.

Mayo Clinic Laboratories, Mayo Clinic
Classification: Uncertain significance. Last evaluated: 2024-05-02. Review status: criteria provided, single submitter. Criteria: ACMG Guidelines, 2015. Collection method: clinical testing. Allele origin: germline. Observed: 1 variant allele.
Comment: BP4

Labcorp Genetics (formerly Invitae), Labcorp
Classification: Uncertain significance for Primary ciliary dyskinesia. Last evaluated: 2022-06-20. Review status: criteria provided, single submitter. Criteria: Invitae Variant Classification Sherloc (09022015). Collection method: clinical testing. Allele origin: germline.
Comment: This sequence change replaces threonine, which is neutral and polar, with isoleucine, which is neutral and non-polar, at codon 3991 of the DNAH8 protein (p.Thr3991Ile). This variant is present in population databases (rs145485818, gnomAD 0.03%). This variant has not been reported in the literature in individuals affected with DNAH8-related conditions. Algorithms developed to predict the effect of missense changes on protein structure and function are either unavailable or do not agree on the potential impact of this missense change (SIFT: "Tolerated"; PolyPhen-2: "Not Available"; Align-GVGD: "Class C0"). Algorithms developed to predict the effect of sequence changes on RNA splicing suggest that this variant may disrupt the consensus splice site. In summary, the available evidence is currently insufficient to determine the role of this variant in disease. Therefore, it has been classified as a Variant of Uncertain Significance.